The following is an entry in ClinVar:

ClinVar aggregate classification (germline): Uncertain significance (1 of 4 stars; one submission).

Conditions:
Hereditary cancer-predisposing syndrome. Also called: Hereditary neoplastic syndrome; Neoplastic Syndromes, Hereditary; Tumor predisposition; Hereditary Cancer Syndrome. Identifiers: Orphanet 140162, MedGen C0027672, MeSH D009386, MONDO:0015356.

Submission:

Ambry Genetics
Classification: Uncertain significance for Hereditary cancer-predisposing syndrome. Last evaluated: 2025-02-28. Review status: criteria provided, single submitter. Criteria: Ambry Variant Classification Scheme 2023. Collection method: clinical testing. Allele origin: germline.
Comment: The p.S285F variant (also known as c.854C>T), located in coding exon 7 of the CDK4 gene, results from a C to T substitution at nucleotide position 854. The serine at codon 285 is replaced by phenylalanine, an amino acid with highly dissimilar properties. This amino acid position is highly conserved in available vertebrate species. In addition, this alteration is predicted to be deleterious by in silico analysis. Based on the available evidence, the clinical significance of this variant remains unclear.

NM_000075.4(CDK4):c.854C>T (p.Ser285Phe)

Genes: TSPAN31 (tetraspanin 31; plus strand), CDK4 (cyclin dependent kinase 4; minus strand). Cytogenetic location: 12q14.1.
Variant type: single nucleotide variant.
Coding change: c.854C>T on transcript NM_000075.4 (MANE Select); coding-DNA position 854, C replaced by T.
Protein change: p.Ser285Phe; replaces serine 285 with phenylalanine.
Molecular consequence: missense variant. On other transcripts: 3 prime UTR variant (3).
Genome position (GRCh38, 1-based): chr12:57,748,583, G>A on the plus strand (C>T on the coding strand, the complement: CDK4 is on the minus strand). VCF-style: chr12-57748583-G-A. GRCh37 (hg19) VCF-style: chr12-58142366-G-A.
Other names: c.*1293G>A (NM_001330168.2, NM_001330169.2, NM_005981.5); short protein forms S285F.
Identifiers: ClinVar variation 3830870 (VCV003830870.1).